The following is an entry in ClinVar:

NM_005477.3(HCN4):c.2061C>G (p.Asp687Glu)

Gene: HCN4 (hyperpolarization activated cyclic nucleotide gated potassium channel 4; minus strand). Cytogenetic location: 15q24.1.
Variant type: single nucleotide variant.
Coding change: c.2061C>G on transcript NM_005477.3 (MANE Select); coding-DNA position 2061, C replaced by G.
Protein change: p.Asp687Glu; replaces aspartic acid 687 with glutamic acid.
Molecular consequence: missense variant.
Genome position (GRCh38, 1-based): chr15:73,324,171, G>C on the plus strand (C>G on the coding strand, the complement: HCN4 is on the minus strand). VCF-style: chr15-73324171-G-C. GRCh37 (hg19) VCF-style: chr15-73616512-G-C.
Other names: short protein forms D687E.
Identifiers: ClinVar variation 3716485 (VCV003716485.2).
Genomic context (GRCh38, chr15:73,324,171, plus strand): 5'-CGCCACGGTCTCGAAGGCCCTTCGCATCATGGGGTACTCCTCCAGCACCTCATTGAAGTT[G>C]TCCACGCTCAGCGAGTAGAGGCGGCAGTAGGTGTCGGCCCTCACGCTGGCTGTGCGCCGG-3'
Protein context (NP_005468.1, residues 677-697): TYCRLYSLSV[Asp687Glu]NFNEVLEEYP

ClinVar aggregate classification (germline): Uncertain significance (1 of 4 stars; one submission).

Conditions:
Brugada syndrome 8 (BRGDA8). Identifiers: Orphanet 130, MedGen C2751083, MONDO:0013148, OMIM 613123.

Submission:

Labcorp Genetics (formerly Invitae), Labcorp
Classification: Uncertain significance for Brugada syndrome 8. Last evaluated: 2024-05-09. Review status: criteria provided, single submitter. Criteria: Invitae Variant Classification Sherloc (09022015). Collection method: clinical testing. Allele origin: germline.
Comment: This sequence change replaces aspartic acid, which is acidic and polar, with glutamic acid, which is acidic and polar, at codon 687 of the HCN4 protein (p.Asp687Glu). This variant is not present in population databases (gnomAD no frequency). This variant has not been reported in the literature in individuals affected with HCN4-related conditions. Advanced modeling of protein sequence and biophysical properties (such as structural, functional, and spatial information, amino acid conservation, physicochemical variation, residue mobility, and thermodynamic stability) performed at Invitae indicates that this missense variant is not expected to disrupt HCN4 protein function with a negative predictive value of 80%. In summary, the available evidence is currently insufficient to determine the role of this variant in disease. Therefore, it has been classified as a Variant of Uncertain Significance.